The following is an entry in ClinVar:

NM_001166271.3(SPATA13):c.2544C>T (p.Asp848=)

Gene: SPATA13 (spermatogenesis associated 13; plus strand). Cytogenetic location: 13q12.12.
Variant type: single nucleotide variant.
Coding change: c.2544C>T on transcript NM_001166271.3 (MANE Select); coding-DNA position 2544, C replaced by T.
Protein change: p.Asp848=; no amino-acid change (aspartic acid 848 retained).
Molecular consequence: synonymous variant. On other transcripts: intron variant (1).
Genome position (GRCh38, 1-based): chr13:24,286,827, C>T. VCF-style: chr13-24286827-C-T. GRCh37 (hg19) VCF-style: chr13-24860965-C-T.
Other names: c.2730C>T, p.Asp910= (NM_001286792.2); c.501C>T, p.Asp167= (NM_001286794.2); c.435C>T, p.Asp145= (NM_001286795.2); c.669C>T, p.Asp223= (NM_153023.4); c.372+434C>T (NM_001286793.2).
Identifiers: ClinVar variation 3043191 (VCV003043191.2), dbSNP rs578230480, ClinGen allele CA6914290.
Genomic context (GRCh38, chr13:24,286,827, plus strand): 5'-GCGAGTGAATCAGGAAGAGCTGTCGGAAAACTCCAGCAGCACCCCCAGTGAGGAGCAGGA[C>T]GAGGAGGCCAGCCAGAGCCGCCACAGACACTGTGAGAACAAGCAGCAGATGCGGACCAAC-3'
Protein context (NP_001159743.1, residues 838-858): NSSSTPSEEQ[Asp848=]EEASQSRHRH

ClinVar aggregate classification (germline): Likely benign (0 of 4 stars; one submission).

Conditions:
SPATA13-related disorder. Also called: SPATA13-related condition.

Allele frequency attached by ClinVar (database versions not stated): TOPMed 0.00002; gnomAD 0.00007; ExAC 0.00030; 1000 Genomes Project 0.00040; 1000 Genomes Project 30x 0.00062.
gnomAD v4.1: 220 of 1,613,580 alleles (0.014%); highest among the groups gnomAD compares: South Asian, 0.22%; 2 homozygotes.

Submission:

PreventionGenetics, part of Exact Sciences
Classification: Likely benign for SPATA13-related condition. Last evaluated: 2023-01-12. Review status: no assertion criteria provided. Collection method: clinical testing. Allele origin: germline.
Comment: This variant is classified as likely benign based on ACMG/AMP sequence variant interpretation guidelines (Richards et al. 2015 PMID: 25741868, with internal and published modifications).